The following is an entry in ClinVar:

NM_006269.2(RP1):c.5774dup (p.Gln1926fs)

Genes: RP1 (RP1 axonemal microtubule associated; plus strand), LOC126860392 (CDK7 strongly-dependent group 2 enhancer GRCh37_chr8:55541319-55542518; plus strand). Cytogenetic location: 8q12.1.
Variant type: Duplication.
Coding change: c.5774dup on transcript NM_006269.2 (MANE Select); coding-DNA position 5774, one base duplicated (T; older notation c.5774dupT).
Protein change: p.Gln1926fs; shifts the reading frame from glutamine 1926.
Molecular consequence: frameshift variant. On other transcripts: intron variant (1).
Genome position (GRCh38, 1-based): chr8:54,629,656, T duplicated. VCF-style (leftmost placement, unchanged base first): chr8-54629655-A-AT. GRCh37 (hg19) VCF-style: chr8-55542215-A-AT.
Other names: c.5774dupT (NM_006269.1); c.787+7368dup (NM_001375654.1); short protein forms Q1926fs.
Identifiers: ClinVar variation 959831 (VCV000959831.11), dbSNP rs745552747, ClinGen allele CA4752124.

ClinVar aggregate classification (germline): Pathogenic/Likely pathogenic. Review status: criteria provided, multiple submitters, no conflicts (2 of 4 stars). 2 submissions from 2 submitters: Pathogenic (1); Likely pathogenic (1). Last evaluated 2025-06-17.

Conditions:
RP1-related disorder. Also called: RP1-related condition.

Allele frequency attached by ClinVar (database versions not stated): gnomAD exomes 0.00001; gnomAD 0.00005; ExAC 0.00001; ESP Exome Variant Server 0.00008; TOPMed 0.00008.

Submissions (2):

Labcorp Genetics (formerly Invitae), Labcorp
Classification: Pathogenic. Last evaluated: 2025-06-17. Review status: criteria provided, single submitter. Criteria: Invitae Variant Classification Sherloc (09022015). Collection method: clinical testing. Allele origin: germline.
Comment: This sequence change creates a premature translational stop signal (p.Gln1926Profs*5) in the RP1 gene. While this is not anticipated to result in nonsense mediated decay, it is expected to disrupt the last 231 amino acid(s) of the RP1 protein. This variant is present in population databases (rs745552747, gnomAD 0.01%). This variant has not been reported in the literature in individuals affected with RP1-related conditions. ClinVar contains an entry for this variant (Variation ID: 959831). This variant disrupts the C-terminus of the RP1 protein. Many variants that disrupt this region have been reported in individuals with either autosomal dominant or autosomal recessive retinitis pigmentosa (PMID: 11527933, 19933189, 29425069, 30027431, 33681214). Therefore, variants that disrupt this region are expected to be disease-causing. For these reasons, this variant has been classified as Pathogenic.

PreventionGenetics, part of Exact Sciences
Classification: Likely pathogenic for RP1-related condition. Last evaluated: 2025-06-16. Review status: criteria provided, single submitter. Criteria: ACMG Guidelines, 2015. Collection method: clinical testing. Allele origin: germline.
Comment: The RP1 c.5774dupT variant is predicted to result in a frameshift and premature protein termination (p.Gln1926Profs*5). To our knowledge, this variant has not been reported in individuals with RP1-related disease. This variant is reported in 0.012% of alleles in individuals of African descent in gnomAD. Frameshift variants in RP1 are expected to be pathogenic. This variant is located in the terminal exon of the gene and therefore the transcript is not expected to undergo nonsense mediated decay. Frameshift variants in this region of RP1 are an established mechanism of autosomal recessive disease. This variant is interpreted as likely pathogenic for autosomal recessive disease.

Literature cited by the submitters: PubMed 11527933 (cited by Labcorp Genetics (formerly Invitae), Labcorp); PubMed 19933189 (cited by Labcorp Genetics (formerly Invitae), Labcorp); PubMed 29425069 (cited by Labcorp Genetics (formerly Invitae), Labcorp); PubMed 30027431 (cited by Labcorp Genetics (formerly Invitae), Labcorp); PubMed 33681214 (cited by Labcorp Genetics (formerly Invitae), Labcorp).